The following is an entry in ClinVar:

NM_002582.4(PARN):c.1514G>A (p.Arg505Gln)

Gene: PARN (poly(A)-specific ribonuclease; minus strand). Cytogenetic location: 16p13.12.
Variant type: single nucleotide variant.
Coding change: c.1514G>A on transcript NM_002582.4 (MANE Select); coding-DNA position 1514, G replaced by A.
Protein change: p.Arg505Gln; replaces arginine 505 with glutamine.
Molecular consequence: missense variant.
Genome position (GRCh38, 1-based): chr16:14,482,794, C>T on the plus strand (G>A on the coding strand, the complement: PARN is on the minus strand). VCF-style: chr16-14482794-C-T. GRCh37 (hg19) VCF-style: chr16-14576651-C-T.
Other names: c.1514G>A (NM_002582.3); c.1331G>A, p.Arg444Gln (NM_001134477.3); c.1376G>A, p.Arg459Gln (NM_001242992.2); short protein forms R444Q, R459Q, R505Q.
Identifiers: ClinVar variation 1017996 (VCV001017996.11), dbSNP rs760452316, ClinGen allele CA7911994.

ClinVar aggregate classification (germline): Uncertain significance. Review status: criteria provided, multiple submitters, no conflicts (2 of 4 stars). 3 submissions from 3 submitters: Uncertain significance (2). 1 of the submissions does not count toward it. Last evaluated 2025-12-01.

Conditions:
Dyskeratosis congenita, autosomal recessive 6 (DKCB6). Identifiers: MedGen C4225356, MONDO:0014600, OMIM 616353.
Pulmonary fibrosis and/or bone marrow failure, Telomere-related, 4. Also called: PULMONARY FIBROSIS AND/OR BONE MARROW FAILURE SYNDROME, TELOMERE-RELATED, 4. Identifiers: Orphanet 2032, MedGen C4225347, MONDO:0014612, OMIM 616371.

Allele frequency attached by ClinVar (database versions not stated): gnomAD 0.00001 and 0.00002; gnomAD exomes 0.00007 and 0.00009; TOPMed 0.00004; ExAC 0.00015.
gnomAD v4.1: 101 of 1,611,558 alleles (0.0063%); highest among the groups gnomAD compares: Middle Eastern, 0.016%; no homozygotes.

Submissions (3):

Labcorp Genetics (formerly Invitae), Labcorp
Classification: Uncertain significance for Dyskeratosis congenita, autosomal recessive 6; Pulmonary fibrosis and/or bone marrow failure, Telomere-related, 4. Last evaluated: 2025-12-01. Review status: criteria provided, single submitter. Criteria: Invitae Variant Classification Sherloc (09022015). Collection method: clinical testing. Allele origin: germline.
Comment: This sequence change replaces arginine, which is basic and polar, with glutamine, which is neutral and polar, at codon 505 of the PARN protein (p.Arg505Gln). This variant is present in population databases (rs760452316, gnomAD 0.02%). This variant has not been reported in the literature in individuals affected with PARN-related conditions. ClinVar contains an entry for this variant (Variation ID: 1017996). Invitae Evidence Modeling of protein sequence and biophysical properties (such as structural, functional, and spatial information, amino acid conservation, physicochemical variation, residue mobility, and thermodynamic stability) indicates that this missense variant is not expected to disrupt PARN protein function with a negative predictive value of 80%. In summary, the available evidence is currently insufficient to determine the role of this variant in disease. Therefore, it has been classified as a Variant of Uncertain Significance.

Department of Pathology and Laboratory Medicine, Sinai Health System
Classification: Uncertain significance for Dyskeratosis congenita, autosomal recessive 6; Pulmonary fibrosis and/or bone marrow failure, Telomere-related, 4. Last evaluated: 2021-12-21. Review status: criteria provided, single submitter. Criteria: ACMG Guidelines, 2015. Collection method: research. Allele origin: germline.

Genetic Services Laboratory, University of Chicago
Classification: Uncertain significance. Last evaluated: 2022-12-08. Review status: no assertion criteria provided. Collection method: clinical testing. Allele origin: germline. Affected: no. Not counted in ClinVar's aggregate classification.
Comment: DNA sequence analysis of the PARN gene demonstrated a sequence change, c.1514G>A, in exon 22 that results in an amino acid change, p.Arg505Gln. This sequence change does not appear to have been previously described in individuals with PARN-related disorders. This sequence change has been described in the gnomAD database with a frequency of 0.018% in the European subpopulation (dbSNP rs760452316). The p.Arg505Gln change affects a highly conserved amino acid residue located in a domain of the PARN protein that is known to be functional. The p.Arg505Gln substitution appears to be benign using several in-silico pathogenicity prediction tools (SIFT, PolyPhen2, Align GVGD, REVEL). Due to insufficient evidences and the lack of functional studies, the clinical significance of the p.Arg505Gln change remains unknown at this time.